The following is an entry in ClinVar:

ClinVar aggregate classification (germline): Uncertain significance. Review status: criteria provided, multiple submitters, no conflicts (2 of 4 stars). 2 submissions from 2 submitters: Uncertain significance (2). Last evaluated 2025-11-17.

Conditions:
Early-infantile DEE. Also called: Early infantile epileptic encephalopathy; Ohtahara syndrome; Early infantile epileptic encephalopathy with suppression bursts. Identifiers: Orphanet 1934, MedGen C0393706, MONDO:0800491.

Allele frequency attached by ClinVar (database versions not stated): gnomAD 0.00001.
gnomAD v4.1: 2 of 1,613,752 alleles (0.00012%); highest among the groups gnomAD compares: Admixed American, 0.0033%; no homozygotes.

Submissions (2):

Dasa
Classification: Uncertain significance. Last evaluated: 2025-11-17. Review status: criteria provided, single submitter. Criteria: DASA Assertion Criteria. Collection method: clinical testing. Allele origin: germline.
Comment: NM_001330260.2(SCN8A):c.2174A>G (p.Lys725Arg) is a missense variant that results in the substitution of lysine with arginine. This variant is rare in population databases. The currently available literature and clinical evidence are not sufficient to establish a definitive association between this variant and the reported condition. Therefore, this variant is classified as a variant of uncertain significance.

Labcorp Genetics (formerly Invitae), Labcorp
Classification: Uncertain significance for Early-infantile DEE. Last evaluated: 2025-07-14. Review status: criteria provided, single submitter. Criteria: Invitae Variant Classification Sherloc (09022015). Collection method: clinical testing. Allele origin: germline.
Comment: This sequence change replaces lysine, which is basic and polar, with arginine, which is basic and polar, at codon 725 of the SCN8A protein (p.Lys725Arg). This variant is present in population databases (no rsID available, gnomAD 0.003%). This variant has not been reported in the literature in individuals affected with SCN8A-related conditions. ClinVar contains an entry for this variant (Variation ID: 2723746). Invitae Evidence Modeling of protein sequence and biophysical properties (such as structural, functional, and spatial information, amino acid conservation, physicochemical variation, residue mobility, and thermodynamic stability) indicates that this missense variant is not expected to disrupt SCN8A protein function with a negative predictive value of 95%. In summary, the available evidence is currently insufficient to determine the role of this variant in disease. Therefore, it has been classified as a Variant of Uncertain Significance.

NM_001330260.2(SCN8A):c.2174A>G (p.Lys725Arg)

Gene: SCN8A (sodium voltage-gated channel alpha subunit 8; plus strand). Cytogenetic location: 12q13.13.
Variant type: single nucleotide variant.
Coding change: c.2174A>G on transcript NM_001330260.2 (MANE Select); coding-DNA position 2174, A replaced by G.
Protein change: p.Lys725Arg; replaces lysine 725 with arginine.
Molecular consequence: missense variant.
Genome position (GRCh38, 1-based): chr12:51,751,397, A>G. VCF-style: chr12-51751397-A-G. GRCh37 (hg19) VCF-style: chr12-52145181-A-G.
Other names: c.2174A>G, p.Lys725Arg (NM_001177984.3, NM_001369788.1, NM_014191.4); short protein forms K725R.
Identifiers: ClinVar variation 2723746 (VCV002723746.5), dbSNP rs1382581428, ClinGen allele CA384879778.